The following is an entry in ClinVar:

ClinVar aggregate classification (germline): Conflicting classifications of pathogenicity. Review status: criteria provided, conflicting classifications (1 of 4 stars). 3 submissions from 3 submitters: Uncertain significance (2); Likely benign (1). Last evaluated 2025-10-22.

Conditions:
Inborn genetic diseases. Identifiers: MedGen C0950123, MeSH D030342.
Singleton-Merten syndrome 2 (SGMRT2). Identifiers: Orphanet 85191, MedGen C4225380, MONDO:0014575, OMIM 616298.

Allele frequency attached by ClinVar (database versions not stated): gnomAD exomes 0.00005; ExAC 0.00007; ESP Exome Variant Server 0.00008; TOPMed 0.00010; gnomAD 0.00011.
gnomAD v4.1: 68 of 1,613,962 alleles (0.0042%); highest among the groups gnomAD compares: African/African-American, 0.036%; no homozygotes.

Submissions (3):

Ambry Genetics
Classification: Uncertain significance for Inborn genetic diseases. Last evaluated: 2025-10-22. Review status: criteria provided, single submitter. Criteria: Ambry Variant Classification Scheme 2023. Collection method: clinical testing. Allele origin: germline.

Labcorp Genetics (formerly Invitae), Labcorp
Classification: Uncertain significance. Last evaluated: 2025-08-20. Review status: criteria provided, single submitter. Criteria: Invitae Variant Classification Sherloc (09022015). Collection method: clinical testing. Allele origin: germline.
Comment: This sequence change replaces aspartic acid, which is acidic and polar, with tyrosine, which is neutral and polar, at codon 910 of the DDX58 protein (p.Asp910Tyr). This variant is present in population databases (rs377348789, gnomAD 0.03%). This variant has not been reported in the literature in individuals affected with DDX58-related conditions. ClinVar contains an entry for this variant (Variation ID: 1039146). Invitae Evidence Modeling of protein sequence and biophysical properties (such as structural, functional, and spatial information, amino acid conservation, physicochemical variation, residue mobility, and thermodynamic stability) indicates that this missense variant is expected to disrupt DDX58 protein function with a positive predictive value of 80%. In summary, the available evidence is currently insufficient to determine the role of this variant in disease. Therefore, it has been classified as a Variant of Uncertain Significance.

Blueprint Genetics
Classification: Likely benign. Last evaluated: 2024-05-09. Review status: criteria provided, single submitter. Criteria: ACMG Guidelines, 2015. Collection method: clinical testing. Allele origin: germline.

NM_014314.4(RIGI):c.2728G>T (p.Asp910Tyr)

Gene: RIGI (RNA sensor RIG-I; minus strand). Cytogenetic location: 9p21.1.
Variant type: single nucleotide variant.
Coding change: c.2728G>T on transcript NM_014314.4 (MANE Select); coding-DNA position 2728, G replaced by T.
Protein change: p.Asp910Tyr; replaces aspartic acid 910 with tyrosine.
Molecular consequence: missense variant.
Genome position (GRCh38, 1-based): chr9:32,457,172, C>A on the plus strand (G>T on the coding strand, the complement: RIGI is on the minus strand). VCF-style: chr9-32457172-C-A. GRCh37 (hg19) VCF-style: chr9-32457170-C-A.
Other names: c.2722G>T, p.Asp908Tyr (NM_001385907.1); c.2557G>T, p.Asp853Tyr (NM_001385909.1); c.2287G>T, p.Asp763Tyr (NM_001385910.1); c.2119G>T, p.Asp707Tyr (NM_001385912.1); c.2713G>T, p.Asp905Tyr (NM_001385913.1); c.2284G>T, p.Asp762Tyr (NM_001385914.1); short protein forms D853Y, D910Y, D905Y, D707Y, D908Y, D762Y, D763Y.
Identifiers: ClinVar variation 1039146 (VCV001039146.13), dbSNP rs377348789, ClinGen allele CA5019425.